The following is an entry in ClinVar:

ClinVar aggregate classification (germline): Uncertain significance (1 of 4 stars; one submission).

Conditions:
Amyotrophic lateral sclerosis type 4 (ALS4). Also called: AMYOTROPHIC LATERAL SCLEROSIS 4, JUVENILE; NEURONOPATHY, DISTAL HEREDITARY MOTOR, WITH PYRAMIDAL FEATURES. Identifiers: Orphanet 357043, MedGen C1865409, MONDO:0011223, OMIM 602433.
Spinocerebellar ataxia, autosomal recessive, with axonal neuropathy 2 (SCAN2). Also called: Ataxia with Oculomotor Apraxia; ATAXIA-OCULOMOTOR APRAXIA 2; Ataxia with Oculomotor Apraxia Type 2; Ataxia-ocular apraxia-2. Identifiers: Orphanet 64753, MedGen C1853761, MONDO:0018996, OMIM 606002.

Allele frequency attached by ClinVar (database versions not stated): gnomAD 0.00002.
gnomAD v4.1: 4 of 1,613,754 alleles (0.00025%); highest among the groups gnomAD compares: African/African-American, 0.004%; no homozygotes.

Submission:

Labcorp Genetics (formerly Invitae), Labcorp
Classification: Uncertain significance for Amyotrophic lateral sclerosis type 4; Spinocerebellar ataxia, autosomal recessive, with axonal neuropathy 2. Last evaluated: 2022-12-03. Review status: criteria provided, single submitter. Criteria: Invitae Variant Classification Sherloc (09022015). Collection method: clinical testing. Allele origin: germline.
Comment: In summary, the available evidence is currently insufficient to determine the role of this variant in disease. Therefore, it has been classified as a Variant of Uncertain Significance. Advanced modeling of protein sequence and biophysical properties (such as structural, functional, and spatial information, amino acid conservation, physicochemical variation, residue mobility, and thermodynamic stability) performed at Invitae indicates that this missense variant is not expected to disrupt SETX protein function. This variant has not been reported in the literature in individuals affected with SETX-related conditions. This variant is not present in population databases (gnomAD no frequency). This sequence change replaces leucine, which is neutral and non-polar, with phenylalanine, which is neutral and non-polar, at codon 1310 of the SETX protein (p.Leu1310Phe).

NM_015046.7(SETX):c.3930A>C (p.Leu1310Phe)

Gene: SETX (senataxin; minus strand). Cytogenetic location: 9q34.13.
Variant type: single nucleotide variant.
Coding change: c.3930A>C on transcript NM_015046.7 (MANE Select); coding-DNA position 3930, A replaced by C.
Protein change: p.Leu1310Phe; replaces leucine 1310 with phenylalanine.
Molecular consequence: missense variant.
Genome position (GRCh38, 1-based): chr9:132,327,668, T>G on the plus strand (A>C on the coding strand, the complement: SETX is on the minus strand). VCF-style: chr9-132327668-T-G. GRCh37 (hg19) VCF-style: chr9-135203055-T-G.
Other names: c.3930A>C, p.Leu1310Phe (NM_001351527.2, NM_001351528.2); short protein forms L1310F.
Identifiers: ClinVar variation 2928318 (VCV002928318.3), dbSNP rs1846919205, ClinGen allele CA375327939.